The following is an entry in ClinVar:

NM_000554.6(CRX):c.407_416dup (p.Asp140fs)

Gene: CRX (cone-rod homeobox; plus strand). Cytogenetic location: 19q13.33.
Variant type: Duplication.
Coding change: c.407_416dup on transcript NM_000554.6 (MANE Select); coding-DNA positions 407 to 416, 10 bases duplicated (TGGGCATCTC; older notation c.407_416dupTGGGCATCTC).
Protein change: p.Asp140fs; shifts the reading frame from aspartic acid 140.
Molecular consequence: frameshift variant.
Genome position (GRCh38, 1-based): chr19:47,839,474-47,839,483, TGGGCATCTC duplicated; duplicating any 10 consecutive bases within chr19:47,839,471-47,839,483 gives the same sequence; the c. name uses the placement nearest the transcript's 3' end. VCF-style (leftmost placement, unchanged base first): chr19-47839470-C-CCTCTGGGCAT. GRCh37 (hg19) VCF-style: chr19-48342727-C-CCTCTGGGCAT.
Other names: short protein forms D140fs.
Identifiers: ClinVar variation 941814 (VCV000941814.7), dbSNP rs1968164438, ClinGen allele CA1139666504.

ClinVar aggregate classification (germline): Pathogenic (1 of 4 stars; one submission).

Conditions:
Leber congenital amaurosis 7 (LCA7). Identifiers: Orphanet 65, MedGen C3151192, MONDO:0013449, OMIM 613829.
Cone-rod dystrophy 2 (CORD2). Also called: Cone-rod retinal dystrophy 2; CONE-ROD RETINAL DYSTROPHY. Identifiers: Orphanet 1872, MedGen C3489532, MONDO:0007362, OMIM 120970.

Submission:

Labcorp Genetics (formerly Invitae), Labcorp
Classification: Pathogenic for Cone-rod dystrophy 2; Leber congenital amaurosis 7. Last evaluated: 2024-04-22. Review status: criteria provided, single submitter. Criteria: Invitae Variant Classification Sherloc (09022015). Collection method: clinical testing. Allele origin: germline.
Comment: This sequence change creates a premature translational stop signal (p.Asp140Glyfs*37) in the CRX gene. While this is not anticipated to result in nonsense mediated decay, it is expected to disrupt the last 160 amino acid(s) of the CRX protein. This variant is not present in population databases (gnomAD no frequency). This variant has not been reported in the literature in individuals affected with CRX-related conditions. ClinVar contains an entry for this variant (Variation ID: 941814). This variant disrupts a region of the CRX protein in which other variant(s) (p.Tyr258*) have been determined to be pathogenic (PMID: 22968130, 25270190). This suggests that this is a clinically significant region of the protein, and that variants that disrupt it are likely to be disease-causing. For these reasons, this variant has been classified as Pathogenic.

Literature cited by the submitters: PubMed 22968130; PubMed 25270190.